The following is an entry in ClinVar:

ClinVar aggregate classification (germline): Uncertain significance (1 of 4 stars; one submission).

Allele frequency attached by ClinVar (database versions not stated): gnomAD exomes below 0.00001.
gnomAD v4.1: 3 of 1,211,269 alleles (0.00025%); highest among the groups gnomAD compares: Non-Finnish European, 0.00011%; no homozygotes.

Submission:

Labcorp Genetics (formerly Invitae), Labcorp
Classification: Uncertain significance. Last evaluated: 2022-06-25. Review status: criteria provided, single submitter. Criteria: Invitae Variant Classification Sherloc (09022015). Collection method: clinical testing. Allele origin: germline.
Comment: In summary, the available evidence is currently insufficient to determine the role of this variant in disease. Therefore, it has been classified as a Variant of Uncertain Significance. Algorithms developed to predict the effect of missense changes on protein structure and function (SIFT, PolyPhen-2, Align-GVGD) all suggest that this variant is likely to be tolerated. This variant has not been reported in the literature in individuals affected with RP2-related conditions. This variant is not present in population databases (gnomAD no frequency). This sequence change replaces valine, which is neutral and non-polar, with alanine, which is neutral and non-polar, at codon 57 of the RP2 protein (p.Val57Ala).

NM_006915.3(RP2):c.170T>C (p.Val57Ala)

Gene: RP2 (RP2 activator of ARL3 GTPase; plus strand). Cytogenetic location: Xp11.3.
Variant type: single nucleotide variant.
Coding change: c.170T>C on transcript NM_006915.3 (MANE Select); coding-DNA position 170, T replaced by C.
Protein change: p.Val57Ala; replaces valine 57 with alanine.
Molecular consequence: missense variant.
Genome position (GRCh38, 1-based): chrX:46,853,543, T>C. VCF-style: chrX-46853543-T-C. GRCh37 (hg19) VCF-style: chrX-46712978-T-C.
Other names: short protein forms V57A.
Identifiers: ClinVar variation 2116952 (VCV002116952.4), dbSNP rs2519913839, ClinGen allele CA413038931.